The following is an entry in ClinVar:

NM_001134407.3(GRIN2A):c.3390A>C (p.Leu1130Phe)

Gene: GRIN2A (glutamate ionotropic receptor NMDA type subunit 2A; minus strand). Cytogenetic location: 16p13.2.
Variant type: single nucleotide variant.
Coding change: c.3390A>C on transcript NM_001134407.3 (MANE Select); coding-DNA position 3390, A replaced by C.
Protein change: p.Leu1130Phe; replaces leucine 1130 with phenylalanine.
Molecular consequence: missense variant.
Genome position (GRCh38, 1-based): chr16:9,764,154, T>G on the plus strand (A>C on the coding strand, the complement: GRIN2A is on the minus strand). VCF-style: chr16-9764154-T-G. GRCh37 (hg19) VCF-style: chr16-9858011-T-G.
Other names: c.3390A>C, p.Leu1130Phe (NM_000833.5, NM_001134408.2); short protein forms L1130F.
Identifiers: ClinVar variation 1394521 (VCV001394521.8), dbSNP rs2141132738, ClinGen allele CA394707971.

ClinVar aggregate classification (germline): Uncertain significance (1 of 4 stars; one submission).

Conditions:
Landau-Kleffner syndrome (FESD). Also called: APHASIA, ACQUIRED, WITH EPILEPSY; EPILEPSY, FOCAL, WITH SPEECH DISORDER AND WITH OR WITHOUT MENTAL RETARDATION. Identifiers: Orphanet 1945, Orphanet 725, Orphanet 98818, MedGen C0282512, MONDO:0009509, OMIM 245570.

Submission:

Labcorp Genetics (formerly Invitae), Labcorp
Classification: Uncertain significance for Landau-Kleffner syndrome. Last evaluated: 2023-08-10. Review status: criteria provided, single submitter. Criteria: Invitae Variant Classification Sherloc (09022015). Collection method: clinical testing. Allele origin: germline.
Comment: This variant has not been reported in the literature in individuals affected with GRIN2A-related conditions. In summary, the available evidence is currently insufficient to determine the role of this variant in disease. Therefore, it has been classified as a Variant of Uncertain Significance. Advanced modeling of protein sequence and biophysical properties (such as structural, functional, and spatial information, amino acid conservation, physicochemical variation, residue mobility, and thermodynamic stability) has been performed at Invitae for this missense variant, however the output from this modeling did not meet the statistical confidence thresholds required to predict the impact of this variant on GRIN2A protein function. ClinVar contains an entry for this variant (Variation ID: 1394521). This variant is not present in population databases (gnomAD no frequency). This sequence change replaces leucine, which is neutral and non-polar, with phenylalanine, which is neutral and non-polar, at codon 1130 of the GRIN2A protein (p.Leu1130Phe).